The following is an entry in ClinVar:

ClinVar aggregate classification (germline): Likely benign. Review status: criteria provided, single submitter (1 of 4 stars). 2 submissions from 2 submitters: Likely benign (1). 1 of the submissions does not count toward it. Last evaluated 2023-07-01.

Conditions:
PCDHA9-related disorder. Also called: PCDHA9-related condition.

Allele frequency attached by ClinVar (database versions not stated): gnomAD exomes 0.00211; gnomAD 0.00574; 1000 Genomes Project 30x 0.00999.
gnomAD v4.1: 4,005 of 1,588,154 alleles (0.25%); highest among the groups gnomAD compares: Middle Eastern, 0.93%; 452 homozygotes.

Submissions (2):

CeGaT Center for Human Genetics Tuebingen
Classification: Likely benign. Last evaluated: 2023-07-01. Review status: criteria provided, single submitter. Criteria: CeGaT Center For Human Genetics Tuebingen Variant Classification Criteria Version 2. Collection method: clinical testing. Allele origin: germline. Affected: yes. Observed: 3 variant alleles.
Comment: PCDHA9: BP4, BP7

PreventionGenetics, part of Exact Sciences
Classification: Likely benign for PCDHA9-related condition. Last evaluated: 2020-09-25. Review status: no assertion criteria provided. Collection method: clinical testing. Allele origin: germline. Not counted in ClinVar's aggregate classification.
Comment: This variant is classified as likely benign based on ACMG/AMP sequence variant interpretation guidelines (Richards et al. 2015 PMID: 25741868, with internal and published modifications).

NM_031857.2(PCDHA9):c.123C>T (p.His41=)

Genes: PCDHA1 (protocadherin alpha 1; plus strand), PCDHA2 (protocadherin alpha 2; plus strand), PCDHA3 (protocadherin alpha 3; plus strand), PCDHA4 (protocadherin alpha 4; plus strand), PCDHA5 (protocadherin alpha 5; plus strand) and 5 more. Cytogenetic location: 5q31.3.
Variant type: single nucleotide variant.
Coding change: c.123C>T on transcript NM_031857.2 (MANE Select); coding-DNA position 123, C replaced by T.
Protein change: p.His41=; no amino-acid change (histidine 41 retained).
Molecular consequence: synonymous variant. On other transcripts: intron variant (10).
Genome position (GRCh38, 1-based): chr5:140,848,618, C>T. VCF-style: chr5-140848618-C-T. GRCh37 (hg19) VCF-style: chr5-140228203-C-T.
Other names: c.123C>T, p.His41= (NM_014005.5); c.2394+59934C>T (NM_018900.4); c.1602+60726C>T (NM_031411.3); c.2388+51266C>T (NM_018905.3); c.2394+45027C>T (NM_018906.3); c.2385+39046C>T (NM_018907.4); c.2352+24491C>T (NM_018908.3); c.2394+18133C>T (NM_018909.4); and 3 more.
Identifiers: ClinVar variation 2655771 (VCV002655771.23), dbSNP rs138258410, ClinGen allele CA3450138.
Genomic context (GRCh38, chr5:140,848,618, plus strand): 5'-CGCAATGTGGGTGGTGGGGAGCGGCCAGCTCCACTACTCCGTCCCGGAGGAAGCCGAACA[C>T]GGCACCTTCGTGGGCCGCATCGCGCAGGACCTGGGGCTGGAGCTGGCGGAGCTGGTGCCG-3'
Protein context (NP_114063.1, residues 31-51): LHYSVPEEAE[His41=]GTFVGRIAQD